The following is an entry in ClinVar:

ClinVar aggregate classification (germline): Uncertain significance (1 of 4 stars; one submission).

gnomAD v4.1: 1 of 1,614,198 alleles (0.000062%); highest among the groups gnomAD compares: Admixed American, 0.0017%; no homozygotes.

Submission:

GeneDx
Classification: Uncertain significance. Last evaluated: 2023-12-14. Review status: criteria provided, single submitter. Criteria: GeneDx Variant Classification Process June 2021. Collection method: clinical testing. Allele origin: germline. Affected: yes.
Comment: Not observed at significant frequency in large population cohorts (gnomAD); In silico analysis supports that this missense variant has a deleterious effect on protein structure/function; Has not been previously published as pathogenic or benign to our knowledge

NM_001371623.1(TCOF1):c.1867G>C (p.Ala623Pro)

Gene: TCOF1 (treacle ribosome biogenesis factor 1; plus strand). Cytogenetic location: 5q32.
Variant type: single nucleotide variant.
Coding change: c.1867G>C on transcript NM_001371623.1 (MANE Select); coding-DNA position 1867, G replaced by C.
Protein change: p.Ala623Pro; replaces alanine 623 with proline.
Molecular consequence: missense variant.
Genome position (GRCh38, 1-based): chr5:150,375,883, G>C. VCF-style: chr5-150375883-G-C. GRCh37 (hg19) VCF-style: chr5-149755446-G-C.
Other names: c.1636G>C, p.Ala546Pro (NM_000356.4, NM_001135245.2); c.1867G>C, p.Ala623Pro (NM_001008657.3, NM_001135243.2, NM_001135244.2 and 1 more transcripts); short protein forms A546P, A623P.
Identifiers: ClinVar variation 1723564 (VCV001723564.3), dbSNP rs201126288, ClinGen allele CA361750787.